The following is an entry in ClinVar:

NM_001130823.3(DNMT1):c.2388G>A (p.Thr796=)

Gene: DNMT1 (DNA methyltransferase 1; minus strand). Cytogenetic location: 19p13.2.
Variant type: single nucleotide variant.
Coding change: c.2388G>A on transcript NM_001130823.3 (MANE Select); coding-DNA position 2388, G replaced by A.
Protein change: p.Thr796=; no amino-acid change (threonine 796 retained).
Molecular consequence: synonymous variant.
Genome position (GRCh38, 1-based): chr19:10,149,651, C>T on the plus strand (G>A on the coding strand, the complement: DNMT1 is on the minus strand). VCF-style: chr19-10149651-C-T. GRCh37 (hg19) VCF-style: chr19-10260327-C-T.
Other names: c.2340G>A (NM_001379.2); c.2340G>A, p.Thr780= (NM_001318730.2, NM_001379.4); c.2025G>A, p.Thr675= (NM_001318731.2); c.2388G>A (NM_001130823.2).
Identifiers: ClinVar variation 1091697 (VCV001091697.11), dbSNP rs745383183, ClinGen allele CA9188054.

ClinVar aggregate classification (germline): Likely benign. Review status: criteria provided, multiple submitters, no conflicts (2 of 4 stars). 3 submissions from 3 submitters: Likely benign (3). Last evaluated 2026-08-31.

Conditions:
Hereditary sensory neuropathy-deafness-dementia syndrome. Also called: HSN IE; Hereditary Sensory and Autonomic Neuropathy Type 1E (HSAN1E); Hereditary sensory neuropathy type IE; NEUROPATHY, HEREDITARY SENSORY, WITH HEARING LOSS AND DEMENTIA. Identifiers: Orphanet 456318, MedGen C3279885, MONDO:0013584, OMIM 614116.
DNMT1-related disorder. Also called: DNMT1-related condition. Identifiers: MedGen CN381527.
Inborn genetic diseases. Identifiers: MedGen C0950123, MeSH D030342.

Allele frequency attached by ClinVar (database versions not stated): gnomAD exomes 0.00004 and 0.00006; ExAC 0.00006; TOPMed 0.00002; gnomAD 0.00003 and 0.00004.
gnomAD v4.1: 93 of 1,613,508 alleles (0.0058%); highest among the groups gnomAD compares: South Asian, 0.0077%; no homozygotes.

Submissions (3):

PreventionGenetics, part of Exact Sciences
Classification: Likely benign for DNMT1-related condition. Last evaluated: 2026-08-31. Review status: criteria provided, single submitter. Criteria: ACMG Guidelines, 2015. Collection method: clinical testing. Allele origin: germline.
Comment: This variant is classified as likely benign based on ACMG/AMP sequence variant interpretation guidelines (Richards et al. 2015 PMID: 25741868, with internal and published modifications).

Ambry Genetics
Classification: Likely benign for Inborn genetic diseases. Last evaluated: 2025-06-06. Review status: criteria provided, single submitter. Criteria: Ambry Variant Classification Scheme 2023. Collection method: clinical testing. Allele origin: germline.

Labcorp Genetics (formerly Invitae), Labcorp
Classification: Likely benign for Hereditary sensory neuropathy-deafness-dementia syndrome. Last evaluated: 2024-02-05. Review status: criteria provided, single submitter. Criteria: Invitae Variant Classification Sherloc (09022015). Collection method: clinical testing. Allele origin: germline.